The following is an entry in ClinVar:

ClinVar aggregate classification (germline): Uncertain significance. Review status: criteria provided, multiple submitters, no conflicts (2 of 4 stars). 6 submissions from 4 submitters: Uncertain significance (6). Last evaluated 2023-04-11.

Conditions:
Dilated cardiomyopathy 1D. Identifiers: Orphanet 154, Orphanet 54260, MedGen C1832243, MONDO:0011095, OMIM 601494.
Cardiomyopathy, familial restrictive, 3. Identifiers: Orphanet 75249, MedGen C2676271, MONDO:0012900, OMIM 612422.
Hypertrophic cardiomyopathy 2. Also called: TNNT2-Related Familial Hypertrophic Cardiomyopathy. Identifiers: MedGen C1861864, MONDO:0007266, OMIM 115195.

Submissions (6):

Genome-Nilou Lab
Classification: Uncertain significance for Dilated cardiomyopathy 1D. Last evaluated: 2023-04-11. Review status: criteria provided, single submitter. Criteria: ACMG Guidelines, 2015. Collection method: clinical testing. Allele origin: germline. Affected: no.

Genome-Nilou Lab
Classification: Uncertain significance for Cardiomyopathy, familial restrictive, 3. Last evaluated: 2023-04-11. Review status: criteria provided, single submitter. Criteria: ACMG Guidelines, 2015. Collection method: clinical testing. Allele origin: germline. Affected: no.

Genome-Nilou Lab
Classification: Uncertain significance for Hypertrophic cardiomyopathy 2. Last evaluated: 2023-04-11. Review status: criteria provided, single submitter. Criteria: ACMG Guidelines, 2015. Collection method: clinical testing. Allele origin: germline. Affected: no.

3billion
Classification: Uncertain significance for Hypertrophic cardiomyopathy 2. Last evaluated: 2022-03-22. Review status: criteria provided, single submitter. Criteria: ACMG Guidelines, 2015. Collection method: clinical testing. Allele origin: germline. Affected: yes. Observed: 1 heterozygote.
Comment: Different pathogenic/likely pathogenic amino acid change has been reported with supporting evidence at the same codon (PMID:24111713). In silico tool predictions suggest damaging effect of the variant on gene or gene product (3CNET: 0.965>=0.75). A missense variant is a common mechanism . It is not observed in the gnomAD v2.1.1 dataset. Therefore, this variant is classified as uncertain significance according to the recommendation of ACMG/AMP guideline.

GeneDx
Classification: Uncertain significance. Last evaluated: 2019-11-06. Review status: criteria provided, single submitter. Criteria: GeneDx Variant Classification Process June 2021. Collection method: clinical testing. Allele origin: germline. Affected: yes.
Comment: Has not been previously published as pathogenic or benign to our knowledge; Not observed in large population cohorts (Lek et al., 2016); In silico analysis, which includes protein predictors and evolutionary conservation, supports a deleterious effect

Labcorp Genetics (formerly Invitae), Labcorp
Classification: Uncertain significance for Cardiomyopathy, familial restrictive, 3; Hypertrophic cardiomyopathy 2; Dilated cardiomyopathy 1D. Last evaluated: 2019-05-10. Review status: criteria provided, single submitter. Criteria: Invitae Variant Classification Sherloc (09022015). Collection method: clinical testing. Allele origin: germline.
Comment: This variant is not present in population databases (ExAC no frequency). In summary, the available evidence is currently insufficient to determine the role of this variant in disease. Therefore, it has been classified as a Variant of Uncertain Significance. Algorithms developed to predict the effect of missense changes on protein structure and function are either unavailable or do not agree on the potential impact of this missense change (SIFT: "Deleterious"; PolyPhen-2: "Possibly Damaging"; Align-GVGD: "Class C0"). This variant has not been reported in the literature in individuals with TNNT2-related conditions. This sequence change replaces glutamic acid with glycine at codon 195 of the TNNT2 protein (p.Glu195Gly). The glutamic acid residue is moderately conserved and there is a moderate physicochemical difference between glutamic acid and glycine.

Literature cited by the submitters: PubMed 24111713 (cited by 3billion).

NM_001276345.2(TNNT2):c.614A>G (p.Glu205Gly)

Gene: TNNT2 (troponin T2, cardiac type; minus strand). Cytogenetic location: 1q32.1.
Variant type: single nucleotide variant.
Coding change: c.614A>G on transcript NM_001276345.2 (MANE Select); coding-DNA position 614, A replaced by G.
Protein change: p.Glu205Gly; replaces glutamic acid 205 with glycine.
Molecular consequence: missense variant.
Genome position (GRCh38, 1-based): chr1:201,362,018, T>C on the plus strand (A>G on the coding strand, the complement: TNNT2 is on the minus strand). VCF-style: chr1-201362018-T-C. GRCh37 (hg19) VCF-style: chr1-201331146-T-C.
Other names: c.605A>G, p.Glu202Gly (NM_000364.4); c.584A>G, p.Glu195Gly (NM_001001430.3, NM_001276347.2); c.575A>G, p.Glu192Gly (NM_001001431.3); c.566A>G, p.Glu189Gly (NM_001001432.3); c.485A>G, p.Glu162Gly (NM_001276346.2); short protein forms E192G, E195G, E202G, E162G, E205G, E189G.
Identifiers: ClinVar variation 933456 (VCV000933456.13), dbSNP rs1658740460, ClinGen allele CA344204011.
Genomic context (GRCh38, chr1:201,362,018, plus strand): 5'-CTCTCAGCCAGAATCTTCTTCTTCTTTTCCCGCTCAGTCTGCCTCTTCCCACTTTTCCGC[T>C]CTGTCTGGAGGGTGTGGGAAGCAGAGTAAACTGGCCAGATTGCCCCCTCCCTGTCCCCTA-3'
Protein context (NP_001263274.1, residues 195-215): GGYIQKQAQT[Glu205Gly]RKSGKRQTER